The following is an entry in ClinVar:

NM_001145358.2(SIN3A):c.1159G>A (p.Val387Met)

Gene: SIN3A (SIN3 transcription regulator family member A; minus strand). Cytogenetic location: 15q24.2.
Variant type: single nucleotide variant.
Coding change: c.1159G>A on transcript NM_001145358.2 (MANE Select); coding-DNA position 1159, G replaced by A.
Protein change: p.Val387Met; replaces valine 387 with methionine.
Molecular consequence: missense variant.
Genome position (GRCh38, 1-based): chr15:75,410,136, C>T on the plus strand (G>A on the coding strand, the complement: SIN3A is on the minus strand). VCF-style: chr15-75410136-C-T. GRCh37 (hg19) VCF-style: chr15-75702477-C-T.
Other names: c.1159G>A, p.Val387Met (NM_001145357.2, NM_015477.3); c.1159G>A (NM_001145358.1); short protein forms V387M.
Identifiers: ClinVar variation 978163 (VCV000978163.7), dbSNP rs1010772312, ClinGen allele CA272893448.
Genomic context (GRCh38, chr15:75,410,136, plus strand): 5'-TTCCAACTCATCTAAGATAATAATAGTAAATAGTGTAATTCTTATTAAAAAAACATACCA[C>T]GGAGCTGTTGGCATCTGGTAGGAATTGTCCAAACTCTGACAACAAATCTTCCTGGTTTTT-3'
Protein context (NP_001138830.1, residues 377-397): GQFLPDANSS[Val387Met]LLSKTTAEKV

ClinVar aggregate classification (germline): Uncertain significance. Review status: criteria provided, multiple submitters, no conflicts (2 of 4 stars). 4 submissions from 4 submitters: Uncertain significance (4). Last evaluated 2025-08-14.

Conditions:
Inborn genetic diseases. Identifiers: MedGen C0950123, MeSH D030342.
SIN3A-related intellectual disability syndrome due to a point mutation. Also called: 15q24 Microdeletion Syndrome; WITTEVEEN-KOLK SYNDROME. Identifiers: Orphanet 500166, Orphanet 94065, MedGen C4310804, MONDO:0044700, OMIM 613406.

Allele frequency attached by ClinVar (database versions not stated): gnomAD exomes below 0.00001; gnomAD 0.00001; TOPMed 0.00002.
gnomAD v4.1: 5 of 1,613,674 alleles (0.00031%); highest among the groups gnomAD compares: Admixed American, 0.0017%; no homozygotes.

Submissions (4):

Ambry Genetics
Classification: Uncertain significance for Inborn genetic diseases. Last evaluated: 2025-08-14. Review status: criteria provided, single submitter. Criteria: Ambry Variant Classification Scheme 2023. Collection method: clinical testing. Allele origin: germline.

Labcorp Genetics (formerly Invitae), Labcorp
Classification: Uncertain significance. Last evaluated: 2024-08-29. Review status: criteria provided, single submitter. Criteria: Invitae Variant Classification Sherloc (09022015). Collection method: clinical testing. Allele origin: germline.
Comment: This sequence change replaces valine, which is neutral and non-polar, with methionine, which is neutral and non-polar, at codon 387 of the SIN3A protein (p.Val387Met). This variant is not present in population databases (gnomAD no frequency). This variant has not been reported in the literature in individuals affected with SIN3A-related conditions. ClinVar contains an entry for this variant (Variation ID: 978163). An algorithm developed to predict the effect of missense changes on protein structure and function (PolyPhen-2) suggests that this variant is likely to be tolerated. In summary, the available evidence is currently insufficient to determine the role of this variant in disease. Therefore, it has been classified as a Variant of Uncertain Significance.

Revvity Omics, Revvity
Classification: Uncertain significance for SIN3A-related intellectual disability syndrome due to a point mutation. Last evaluated: 2024-07-26. Review status: criteria provided, single submitter. Criteria: ACMG Guidelines, 2015. Collection method: clinical testing. Allele origin: germline.

New York Genome Center
Classification: Uncertain significance for SIN3A-related intellectual disability syndrome due to a point mutation. Last evaluated: 2020-02-26. Review status: criteria provided, single submitter. Criteria: NYGC Assertion Criteria 2020. Collection method: clinical testing. Allele origin: inherited. Observed: 1 heterozygote. Study: CSER-NYCKidSeq.
Comment: The c.1159G>A, p.Val387Met missense variant identified in the SIN3A gene has not been reported in affected individuals in the literature and is absent from gnomAD database indicating it is an extremely rare allele. The variant affects an evolutionarily conserved residue at the nucleotide as well as at the amino acid level. The SIN3A gene has 21 exons and this variant is located in the last codon of exon 7 near exon/intron splice junction suggesting that it may result in abnormal mRNA splicing. In Silico prediction tools show conflicting interpretations about the potential pathogenic effect of this variant. Based on the current evidence, the inherited c.1159G>A, p.Val387Met variant in the SIN3A gene is assessed as a variant of uncertain significance.